The following is an entry in ClinVar:

NM_000535.7(PMS2):c.269C>A (p.Ser90Tyr)

Gene: PMS2 (PMS1 homolog 2, mismatch repair system component; minus strand). Cytogenetic location: 7p22.1.
Variant type: single nucleotide variant.
Coding change: c.269C>A on transcript NM_000535.7 (MANE Select); coding-DNA position 269, C replaced by A.
Protein change: p.Ser90Tyr; replaces serine 90 with tyrosine.
Molecular consequence: missense variant. On other transcripts: 5 prime UTR variant (9), non-coding transcript variant (1), intron variant (2).
Genome position (GRCh38, 1-based): chr7:6,003,774, G>T on the plus strand (C>A on the coding strand, the complement: PMS2 is on the minus strand). VCF-style: chr7-6003774-G-T. GRCh37 (hg19) VCF-style: chr7-6043405-G-T.
Other names: c.-137C>A (NM_001322003.2, NM_001322004.2, NM_001322005.2 and 3 more transcripts); c.269C>A, p.Ser90Tyr (NM_001322006.2, NM_001322014.2); c.-616C>A (NM_001322011.2, NM_001322012.2); c.-216C>A (NM_001322015.2); c.35+198C>A (NM_001322008.2, NM_001322007.2); short protein forms S90Y.
Identifiers: ClinVar variation 455706 (VCV000455706.8), dbSNP rs770678468, ClinGen allele CA366744695.

ClinVar aggregate classification (germline): Uncertain significance (1 of 4 stars; one submission).

Conditions:
Hereditary nonpolyposis colorectal neoplasms. Identifiers: MedGen C0009405, MeSH D003123.

Submission:

Labcorp Genetics (formerly Invitae), Labcorp
Classification: Uncertain significance for Hereditary nonpolyposis colorectal neoplasms. Last evaluated: 2017-03-26. Review status: criteria provided, single submitter. Criteria: Invitae Variant Classification Sherloc (09022015). Collection method: clinical testing. Allele origin: germline.
Comment: In summary, this variant is a novel missense change with uncertain impact on protein function. It has been classified as a Variant of Uncertain Significance. Algorithms developed to predict the effect of missense changes on protein structure and function (SIFT, PolyPhen-2, Align-GVGD) all suggest that this variant is likely to be disruptive, but these predictions have not been confirmed by published functional studies. This variant is not present in population databases (ExAC no frequency) and has not been reported in the literature in individuals with a PMS2-related disease. This sequence change replaces serine with tyrosine at codon 90 of the PMS2 protein (p.Ser90Tyr). The serine residue is highly conserved and there is a large physicochemical difference between serine and tyrosine.